The following is an entry in ClinVar:

ClinVar aggregate classification (germline): Likely pathogenic (1 of 4 stars; one submission).

Conditions:
Alstrom syndrome (ALMS). Identifiers: Orphanet 64, MedGen C0268425, MONDO:0008763, OMIM 203800.

Submission:

Natera, Inc.
Classification: Likely pathogenic for Alstrom syndrome. Last evaluated: 2024-03-21. Review status: criteria provided, single submitter. Criteria: Natera Variant Classification Schema (03/2026). Collection method: clinical testing. Allele origin: germline.
Comment: The c.4093_4168delTCTGAACCAGTTGACCAGACAACTGGCACACCAACTGTAACCTCTACTTCTTACTCACAACATACAGAGAAGCCGA variant in ALMS1 is a frameshift variant predicted to shift the reading frame beginning at codon 1365 and leads to a stop codon 13 codons downstream. This variant is expected to result in nonsense mediated decay, truncation, or a dysfunctional protein product. This variant is rare in the general population with a frequency below the threshold expected for the associated phenotype(s). Given the available evidence, this variant is classified as Likely Pathogenic.

NM_001378454.1(ALMS1):c.4090_4165del (p.Ser1364fs)

Gene: ALMS1 (ALMS1 centrosome and basal body associated protein; plus strand). Cytogenetic location: 2p13.1.
Variant type: Deletion.
Coding change: c.4090_4165del on transcript NM_001378454.1 (MANE Select); coding-DNA positions 4090 to 4165, 76 bases deleted.
Protein change: p.Ser1364fs; shifts the reading frame from serine 1364.
Molecular consequence: frameshift variant.
Genome position (GRCh38, 1-based): chr2:73,450,617-73,450,692, 76 bases deleted. GRCh37 (hg19): chr2:73,677,744-73,677,819.
Other names: c.4093_4168delTCTGAACCAGTTGACCAGACAACTGGCACACCAACTGTAACCTCTACTTCTTACTCACAACATACAGAGAAGCCGA (NM_015120.4); c.4093_4168del, p.Ser1365fs (NM_015120.4); short protein forms S1364fs, S1365fs.
Identifiers: ClinVar variation 4815785 (VCV004815785.1).